The following is an entry in ClinVar:

NM_001032386.2(SUOX):c.785T>C (p.Leu262Pro)

Gene: SUOX (sulfite oxidase; plus strand). Cytogenetic location: 12q13.2.
Variant type: single nucleotide variant.
Coding change: c.785T>C on transcript NM_001032386.2 (MANE Select); coding-DNA position 785, T replaced by C.
Protein change: p.Leu262Pro; replaces leucine 262 with proline.
Molecular consequence: missense variant.
Genome position (GRCh38, 1-based): chr12:56,004,174, T>C. VCF-style: chr12-56004174-T-C. GRCh37 (hg19) VCF-style: chr12-56397958-T-C.
Other names: c.785T>C, p.Leu262Pro (NM_000456.3, NM_001032387.2); short protein forms L262P.
Identifiers: ClinVar variation 1419997 (VCV001419997.7), dbSNP rs1351918188, ClinGen allele CA385287726.

ClinVar aggregate classification (germline): Uncertain significance (1 of 4 stars; one submission).

Conditions:
Sulfite oxidase deficiency. Also called: Isolated sulfite oxidase deficiency. Identifiers: Orphanet 833, Orphanet 99731, MedGen C0268624, MONDO:0010089, OMIM 272300, HP:0003643.

Allele frequency attached by ClinVar (database versions not stated): gnomAD exomes below 0.00001.

Submission:

Labcorp Genetics (formerly Invitae), Labcorp
Classification: Uncertain significance for Sulfite oxidase deficiency. Last evaluated: 2021-10-10. Review status: criteria provided, single submitter. Criteria: Invitae Variant Classification Sherloc (09022015). Collection method: clinical testing. Allele origin: germline.
Comment: Algorithms developed to predict the effect of missense changes on protein structure and function (SIFT, PolyPhen-2, Align-GVGD) all suggest that this variant is likely to be disruptive. This variant has not been reported in the literature in individuals affected with SUOX-related conditions. This variant is not present in population databases (ExAC no frequency). This sequence change replaces leucine with proline at codon 262 of the SUOX protein (p.Leu262Pro). The leucine residue is highly conserved and there is a moderate physicochemical difference between leucine and proline. In summary, the available evidence is currently insufficient to determine the role of this variant in disease. Therefore, it has been classified as a Variant of Uncertain Significance.